The following is an entry in ClinVar:

ClinVar aggregate classification (germline): Uncertain significance. Review status: criteria provided, multiple submitters, no conflicts (2 of 4 stars). 3 submissions from 3 submitters: Uncertain significance (2). 1 of the submissions does not count toward it. Last evaluated 2025-02-26.

Conditions:
Developmental and epileptic encephalopathy, 11 (DEE11). Also called: Early infantile epileptic encephalopathy 11. Identifiers: Orphanet 1934, MedGen C3150987, MONDO:0013388, OMIM 613721.
Seizures, benign familial infantile, 3 (BFIS3). Also called: CONVULSIONS, BENIGN FAMILIAL INFANTILE, 3; Familial neonatal seizures. Identifiers: Orphanet 140927, Orphanet 306, MedGen C1843140, MONDO:0011904, OMIM 607745.

gnomAD v4.1: 32 of 1,613,778 alleles (0.002%); highest among the groups gnomAD compares: Middle Eastern, 0.033%; 1 homozygote.

Submissions (3):

Genetics and Genomic Medicine Centre, NeuroGen Healthcare, NeuroGen Healthcare
Classification: Uncertain significance for Developmental and epileptic encephalopathy, 11. Last evaluated: 2025-02-26. Review status: criteria provided, single submitter. Criteria: ACMG Guidelines, 2015. Collection method: clinical testing. Allele origin: unknown. Affected: yes.

Labcorp Genetics (formerly Invitae), Labcorp
Classification: Uncertain significance for Seizures, benign familial infantile, 3; Developmental and epileptic encephalopathy, 11. Last evaluated: 2024-07-25. Review status: criteria provided, single submitter. Criteria: Invitae Variant Classification Sherloc (09022015). Collection method: clinical testing. Allele origin: germline.
Comment: This sequence change replaces glutamic acid, which is acidic and polar, with glutamine, which is neutral and polar, at codon 1153 of the SCN2A protein (p.Glu1153Gln). This variant is present in population databases (rs200138205, gnomAD 0.02%). This variant has not been reported in the literature in individuals affected with SCN2A-related conditions. ClinVar contains an entry for this variant (Variation ID: 849926). Advanced modeling of protein sequence and biophysical properties (such as structural, functional, and spatial information, amino acid conservation, physicochemical variation, residue mobility, and thermodynamic stability) has been performed at Invitae for this missense variant, however the output from this modeling did not meet the statistical confidence thresholds required to predict the impact of this variant on SCN2A protein function. In summary, the available evidence is currently insufficient to determine the role of this variant in disease. Therefore, it has been classified as a Variant of Uncertain Significance.

Hong-Tao Li Lab, Institute of Brain Science and Brain-inspired Research, Shandong First Medical University & Shandong Academy of Medical Sciences China
Classification: Uncertain significance for Developmental and epileptic encephalopathy, 11. Review status: no assertion criteria provided. Collection method: research. Allele origin: germline. Inheritance: Autosomal dominant inheritance. Affected: yes. Observed: 1 variant allele, 1 heterozygote. Not counted in ClinVar's aggregate classification.
Comment: Observed in affected individuals from a Pakistani neurodevelopmental-disorder research cohort of 263 individuals. Classification assigned using the ACMG/AMP framework. Population-frequency evidence: gnomAD AF 3.182e-05.

NM_001040142.2(SCN2A):c.3457G>C (p.Glu1153Gln)

Gene: SCN2A (sodium voltage-gated channel alpha subunit 2; plus strand). Cytogenetic location: 2q24.3.
Variant type: single nucleotide variant.
Coding change: c.3457G>C on transcript NM_001040142.2 (MANE Select); coding-DNA position 3457, G replaced by C.
Protein change: p.Glu1153Gln; replaces glutamic acid 1153 with glutamine.
Molecular consequence: missense variant.
Genome position (GRCh38, 1-based): chr2:165,365,200, G>C. VCF-style: chr2-165365200-G-C. GRCh37 (hg19) VCF-style: chr2-166221710-G-C.
Other names: c.3457G>C, p.Glu1153Gln (NM_001040143.2, NM_001371246.1, NM_001371247.1 and 1 more transcripts); short protein forms E1153Q.
Identifiers: ClinVar variation 849926 (VCV000849926.11), dbSNP rs200138205, ClinGen allele CA1940112.